The following is an entry in ClinVar:

NM_006361.6(HOXB13):c.652A>C (p.Lys218Gln)

Gene: HOXB13 (homeobox B13; minus strand). Cytogenetic location: 17q21.32.
Variant type: single nucleotide variant.
Coding change: c.652A>C on transcript NM_006361.6 (MANE Select); coding-DNA position 652, A replaced by C.
Protein change: p.Lys218Gln; replaces lysine 218 with glutamine.
Molecular consequence: missense variant.
Genome position (GRCh38, 1-based): chr17:48,726,993, T>G on the plus strand (A>C on the coding strand, the complement: HOXB13 is on the minus strand). VCF-style: chr17-48726993-T-G. GRCh37 (hg19) VCF-style: chr17-46804355-T-G.
Other names: short protein forms K218Q.
Identifiers: ClinVar variation 1398359 (VCV001398359.8), dbSNP rs2143067422, ClinGen allele CA400106858.

ClinVar aggregate classification (germline): Uncertain significance. Review status: criteria provided, multiple submitters, no conflicts (2 of 4 stars). 2 submissions from 2 submitters: Uncertain significance (2). Last evaluated 2023-10-13.

Conditions:
Hereditary cancer-predisposing syndrome. Also called: Hereditary Cancer Syndrome; Hereditary neoplastic syndrome; Tumor predisposition; Neoplastic Syndromes, Hereditary. Identifiers: Orphanet 140162, MedGen C0027672, MeSH D009386, MONDO:0015356.

Submissions (2):

Labcorp Genetics (formerly Invitae), Labcorp
Classification: Uncertain significance. Last evaluated: 2023-10-13. Review status: criteria provided, single submitter. Criteria: Invitae Variant Classification Sherloc (09022015). Collection method: clinical testing. Allele origin: germline.
Comment: This sequence change replaces lysine, which is basic and polar, with glutamine, which is neutral and polar, at codon 218 of the HOXB13 protein (p.Lys218Gln). This variant is not present in population databases (gnomAD no frequency). This variant has not been reported in the literature in individuals affected with HOXB13-related conditions. ClinVar contains an entry for this variant (Variation ID: 1398359). Advanced modeling of protein sequence and biophysical properties (such as structural, functional, and spatial information, amino acid conservation, physicochemical variation, residue mobility, and thermodynamic stability) performed at Invitae indicates that this missense variant is expected to disrupt HOXB13 protein function. In summary, the available evidence is currently insufficient to determine the role of this variant in disease. Therefore, it has been classified as a Variant of Uncertain Significance.

Ambry Genetics
Classification: Uncertain significance for Hereditary cancer-predisposing syndrome. Last evaluated: 2022-03-08. Review status: criteria provided, single submitter. Criteria: Ambry Variant Classification Scheme 2023. Collection method: clinical testing. Allele origin: germline.
Comment: The p.K218Q variant (also known as c.652A>C), located in coding exon 2 of the HOXB13 gene, results from an A to C substitution at nucleotide position 652. The lysine at codon 218 is replaced by glutamine, an amino acid with similar properties. This amino acid position is conserved. In addition, this alteration is predicted to be deleterious by in silico analysis. Since supporting evidence is limited at this time, the clinical significance of this alteration remains unclear.